The following is an entry in ClinVar:

ClinVar aggregate classification (germline): Pathogenic (1 of 4 stars; one submission).

Submission:

Labcorp Genetics (formerly Invitae), Labcorp
Classification: Pathogenic. Last evaluated: 2023-10-04. Review status: criteria provided, single submitter. Criteria: Invitae Variant Classification Sherloc (09022015). Collection method: clinical testing. Allele origin: germline.
Comment: This sequence change creates a premature translational stop signal (p.Trp106*) in the DGUOK gene. It is expected to result in an absent or disrupted protein product. Loss-of-function variants in DGUOK are known to be pathogenic (PMID: 18205204). This variant is not present in population databases (gnomAD no frequency). This variant has not been reported in the literature in individuals affected with DGUOK-related conditions. For these reasons, this variant has been classified as Pathogenic.

Literature cited by the submitters: PubMed 18205204.

NM_080916.3(DGUOK):c.318G>A (p.Trp106Ter)

Gene: DGUOK (deoxyguanosine kinase; plus strand). Cytogenetic location: 2p13.1.
Variant type: single nucleotide variant.
Coding change: c.318G>A on transcript NM_080916.3 (MANE Select); coding-DNA position 318, G replaced by A.
Protein change: p.Trp106Ter; replaces tryptophan 106 with a stop codon.
Molecular consequence: nonsense. On other transcripts: non-coding transcript variant (5).
Genome position (GRCh38, 1-based): chr2:73,946,781, G>A. VCF-style: chr2-73946781-G-A. GRCh37 (hg19) VCF-style: chr2-74173908-G-A.
Other names: c.318G>A, p.Trp106Ter (NM_001318859.2, NM_080918.3); c.27G>A, p.Trp9Ter (NM_001318860.2, NM_001318861.2, NM_001318862.2 and 1 more transcripts); short protein forms W106*, W9*.
Identifiers: ClinVar variation 2734238 (VCV002734238.3), dbSNP rs759093548, ClinGen allele CA347298992.